The following is an entry in ClinVar:

ClinVar aggregate classification (germline): Uncertain significance (1 of 4 stars; one submission).

Conditions:
Amyotrophic lateral sclerosis type 15. Also called: AMYOTROPHIC LATERAL SCLEROSIS 15 WITH FRONTOTEMPORAL DEMENTIA. Identifiers: Orphanet 803, MedGen C3275459, MONDO:0010459, OMIM 300857.

Submission:

Labcorp Genetics (formerly Invitae), Labcorp
Classification: Uncertain significance for Amyotrophic lateral sclerosis type 15. Last evaluated: 2025-12-17. Review status: criteria provided, single submitter. Criteria: Invitae Variant Classification Sherloc (09022015). Collection method: clinical testing. Allele origin: germline.
Comment: This sequence change replaces serine, which is neutral and polar, with asparagine, which is neutral and polar, at codon 297 of the UBQLN2 protein (p.Ser297Asn). This variant is not present in population databases (gnomAD no frequency). This variant has not been reported in the literature in individuals affected with UBQLN2-related conditions. Invitae Evidence Modeling of protein sequence and biophysical properties (such as structural, functional, and spatial information, amino acid conservation, physicochemical variation, residue mobility, and thermodynamic stability) indicates that this missense variant is not expected to disrupt UBQLN2 protein function with a negative predictive value of 80%. In summary, the available evidence is currently insufficient to determine the role of this variant in disease. Therefore, it has been classified as a Variant of Uncertain Significance.

NM_013444.4(UBQLN2):c.890G>A (p.Ser297Asn)

Gene: UBQLN2 (ubiquilin 2; plus strand). Cytogenetic location: Xp11.21.
Variant type: single nucleotide variant.
Coding change: c.890G>A on transcript NM_013444.4 (MANE Select); coding-DNA position 890, G replaced by A.
Protein change: p.Ser297Asn; replaces serine 297 with asparagine.
Molecular consequence: missense variant.
Genome position (GRCh38, 1-based): chrX:56,564,763, G>A. VCF-style: chrX-56564763-G-A. GRCh37 (hg19) VCF-style: chrX-56591196-G-A.
Other names: short protein forms S297N.
Identifiers: ClinVar variation 4751147 (VCV004751147.1).